The following is an entry in ClinVar:

ClinVar aggregate classification (germline): Conflicting classifications of pathogenicity. Review status: criteria provided, conflicting classifications (1 of 4 stars). 3 submissions from 3 submitters: Uncertain significance (2); Benign (1). Last evaluated 2026-06-15.

Conditions:
Melnick-Needles syndrome (MNS). Also called: MELNICK-NEEDLES OSTEODYSPLASTY; OSTEODYSPLASTY OF MELNICK AND NEEDLES; Melnick-Needles Syndrome (FLNA-MNS). Identifiers: Orphanet 2484, MedGen C0025237, MONDO:0010650, OMIM 309350.
Heterotopia, periventricular, X-linked dominant (PVNH1). Also called: PERIVENTRICULAR NODULAR HETEROTOPIA 1; X-linked periventricular heterotopia; PERIVENTRICULAR NODULAR HETEROTOPIA 4; HETEROTOPIA, PERIVENTRICULAR, 1. Identifiers: Orphanet 2149, Orphanet 82004, MedGen C1848213, MONDO:0010233, OMIM 300049.
Oto-palato-digital syndrome, type II (OPD2). Also called: Otopalatodigital Syndrome, Type II; FACIOPALATOOSSEOUS SYNDROME; OPD II SYNDROME; Otopalatodigital Syndrome Type 2 (FLNA-OPD2). Identifiers: Orphanet 669, Orphanet 90652, MedGen C1844696, MONDO:0010571, OMIM 304120.
Frontometaphyseal dysplasia (FMD1). Identifiers: Orphanet 1826, MedGen C0265293, MONDO:0015942.
Familial thoracic aortic aneurysm and aortic dissection (TAAD). Also called: Thoracic aortic aneurysms and dissections. Identifiers: Orphanet 91387, MedGen C4707243, MONDO:0019625.

Allele frequency attached by ClinVar (database versions not stated): gnomAD exomes below 0.00001 and 0.00001.
gnomAD v4.1: 2 of 1,211,532 alleles (0.00017%); highest among the groups gnomAD compares: East Asian, 0.003%; no homozygotes.

Submissions (3):

Ambry Genetics
Classification: Uncertain significance for Familial thoracic aortic aneurysm and aortic dissection. Last evaluated: 2026-06-15. Review status: criteria provided, single submitter. Criteria: Ambry Variant Classification Scheme 2023. Collection method: clinical testing. Allele origin: germline.
Comment: The p.A2453S variant (also known as c.7357G>T), located in coding exon 44 of the FLNA gene, results from a G to T substitution at nucleotide position 7357. The alanine at codon 2453 is replaced by serine, an amino acid with similar properties. This amino acid position is conserved. In addition, this alteration is predicted to be tolerated by in silico analysis. Based on the available evidence, the clinical significance of this variant remains unclear.

Labcorp Genetics (formerly Invitae), Labcorp
Classification: Benign for Oto-palato-digital syndrome, type II; Heterotopia, periventricular, X-linked dominant; Frontometaphyseal dysplasia; Melnick-Needles syndrome. Last evaluated: 2023-07-07. Review status: criteria provided, single submitter. Criteria: Invitae Variant Classification Sherloc (09022015). Collection method: clinical testing. Allele origin: germline.

GeneDx
Classification: Uncertain significance. Last evaluated: 2022-09-26. Review status: criteria provided, single submitter. Criteria: GeneDx Variant Classification Process June 2021. Collection method: clinical testing. Allele origin: germline. Affected: yes.
Comment: Not observed at significant frequency in large population cohorts (gnomAD); In silico analysis supports that this missense variant does not alter protein structure/function; Has not been previously published as pathogenic or benign to our knowledge

NM_001110556.2(FLNA):c.7381G>T (p.Ala2461Ser)

Gene: FLNA (filamin A; minus strand). Cytogenetic location: Xq28.
Variant type: single nucleotide variant.
Coding change: c.7381G>T on transcript NM_001110556.2 (MANE Select); coding-DNA position 7381, G replaced by T.
Protein change: p.Ala2461Ser; replaces alanine 2461 with serine.
Molecular consequence: missense variant.
Genome position (GRCh38, 1-based): chrX:154,349,820, C>A on the plus strand (G>T on the coding strand, the complement: FLNA is on the minus strand). VCF-style: chrX-154349820-C-A. GRCh37 (hg19) VCF-style: chrX-153578188-C-A.
Other names: c.7357G>T, p.Ala2453Ser (NM_001456.4); short protein forms A2453S, A2461S.
Identifiers: ClinVar variation 652871 (VCV000652871.13), dbSNP rs1557175387, ClinGen allele CA415182885.
Genomic context (GRCh38, chrX:154,349,820, plus strand): 5'-CAGGGCACTCCTGGCAATCCATCTTCACCTTGGAGGGGCCGTCAATGGTCACCGACAGGG[C>A]ACCAGCTCCCGCATTGCTCGTGTTCACGACGAACTCAGCTGGGTTCCCTGGGAGCACAGG-3'
Protein context (NP_001104026.1, residues 2451-2471): VVNTSNAGAG[Ala2461Ser]LSVTIDGPSK